The following is an entry in ClinVar:

NM_024570.4(RNASEH2B):c.219G>T (p.Trp73Cys)

Gene: RNASEH2B (ribonuclease H2 subunit B; plus strand). Cytogenetic location: 13q14.3.
Variant type: single nucleotide variant.
Coding change: c.219G>T on transcript NM_024570.4 (MANE Select); coding-DNA position 219, G replaced by T.
Protein change: p.Trp73Cys; replaces tryptophan 73 with cysteine.
Molecular consequence: missense variant.
Genome position (GRCh38, 1-based): chr13:50,929,557, G>T. VCF-style: chr13-50929557-G-T. GRCh37 (hg19) VCF-style: chr13-51503693-G-T.
Other names: c.219G>T, p.Trp73Cys (NM_001142279.2); short protein forms W73C.
Identifiers: ClinVar variation 1058489 (VCV001058489.6), dbSNP rs1951650677, ClinGen allele CA388258850.
Genomic context (GRCh38, chr13:50,929,557, plus strand): 5'-CAATATGTGTCTACAGCAGCTGTTTGAAGTAAAAGTTTTCAAGGAAAAACACCATTCTTG[G>T]TTTATAAATCAATCAGTTCAATCAGGTAGGTGACTAGTGTAAGCATTTCCAATAACTAAA-3'
Protein context (NP_078846.2, residues 63-83): VKVFKEKHHS[Trp73Cys]FINQSVQSGG

ClinVar aggregate classification (germline): Uncertain significance (1 of 4 stars; one submission).

Conditions:
Aicardi-Goutieres syndrome 2. Identifiers: Orphanet 51, MedGen C3489724, MONDO:0012429, OMIM 610181.

Allele frequency attached by ClinVar (database versions not stated): gnomAD exomes below 0.00001.
gnomAD v4.1: 2 of 1,610,974 alleles (0.00012%); highest among the groups gnomAD compares: East Asian, 0.0022%; no homozygotes.

Submission:

Labcorp Genetics (formerly Invitae), Labcorp
Classification: Uncertain significance for Aicardi-Goutieres syndrome 2. Last evaluated: 2021-08-31. Review status: criteria provided, single submitter. Criteria: Invitae Variant Classification Sherloc (09022015). Collection method: clinical testing. Allele origin: germline.
Comment: This sequence change replaces tryptophan with cysteine at codon 73 of the RNASEH2B protein (p.Trp73Cys). The tryptophan residue is highly conserved and there is a large physicochemical difference between tryptophan and cysteine. This variant is not present in population databases (ExAC no frequency). This variant has not been reported in the literature in individuals affected with RNASEH2B-related conditions. Algorithms developed to predict the effect of missense changes on protein structure and function (SIFT, PolyPhen-2, Align-GVGD) all suggest that this variant is likely to be disruptive. In summary, the available evidence is currently insufficient to determine the role of this variant in disease. Therefore, it has been classified as a Variant of Uncertain Significance.